The following is an entry in ClinVar:

NC_000023.10:g.(?_64732461)_(64754668_?)dup

Gene: LAS1L (LAS1 like ribosome biogenesis factor; minus strand). Cytogenetic location: Xq12.
Variant type: Duplication.
Identifiers: ClinVar variation 4847291 (VCV004847291.1).

ClinVar aggregate classification (germline): Uncertain significance (1 of 4 stars; one submission).

Submission:

Women's Health and Genetics/Laboratory Corporation of America, LabCorp
Classification: Uncertain significance. Last evaluated: 2026-03-12. Review status: criteria provided, single submitter. Criteria: LabCorp Variant Classification Summary - May 2015. Collection method: clinical testing. Allele origin: germline.
Comment: Variant summary: The variant involves the duplication of exons 1-14 in the LAS1L gene. A presumed nomenclature of c.(?_-73)_(*194_?)dup has been designated for the purposes of this classification. This duplication includes the entire coding sequence of the gene. As exact breakpoints are unknown, it may extend beyond the annotated region of the gene, to include other flanking genes. The variant was absent in 15814 control chromosomes. The available data on variant occurrences in the general population are insufficient to allow any conclusion about variant significance. To our knowledge, no occurrence of c.(?_-73)_(*194_?)dup in individuals affected with LAS1L-related conditions and no experimental evidence demonstrating its impact on protein function have been reported. No submitters have cited clinical-significance assessments for this variant to ClinVar. Based on the evidence outlined above, the variant was classified as uncertain significance.